The following is an entry in ClinVar:

ClinVar aggregate classification (germline): Pathogenic. Review status: criteria provided, multiple submitters, no conflicts (2 of 4 stars). 3 submissions from 3 submitters: Pathogenic (3). Last evaluated 2025-04-02.

Conditions:
Hereditary spastic paraplegia 15 (SPG15). Also called: SPASTIC PARAPLEGIA AND RETINAL DEGENERATION; SPASTIC PARAPLEGIA 15, AUTOSOMAL RECESSIVE; KJELLIN SYNDROME. Identifiers: Orphanet 100996, MedGen C1849128, MONDO:0010044, OMIM 270700.
Spastic paraplegia. Identifiers: MedGen C0037772, HP:0001258.

Allele frequency attached by ClinVar (database versions not stated): gnomAD exomes below 0.00001.
gnomAD v4.1: 1 of 1,614,210 alleles (0.000062%); highest among the groups gnomAD compares: Non-Finnish European, 0.000085%; no homozygotes.

Submissions (3):

Labcorp Genetics (formerly Invitae), Labcorp
Classification: Pathogenic for Spastic paraplegia. Last evaluated: 2025-04-02. Review status: criteria provided, single submitter. Criteria: Invitae Variant Classification Sherloc (09022015). Collection method: clinical testing. Allele origin: germline.
Comment: This sequence change creates a premature translational stop signal (p.Trp320*) in the ZFYVE26 gene. It is expected to result in an absent or disrupted protein product. Loss-of-function variants in ZFYVE26 are known to be pathogenic (PMID: 18394578, 19805727). This variant is present in population databases (no rsID available, gnomAD 0.0009%). This variant has not been reported in the literature in individuals affected with ZFYVE26-related conditions. ClinVar contains an entry for this variant (Variation ID: 586648). For these reasons, this variant has been classified as Pathogenic.

Myriad Genetics, Inc.
Classification: Pathogenic for Hereditary spastic paraplegia 15. Last evaluated: 2024-05-08. Review status: criteria provided, single submitter. Criteria: Myriad Autosomal Dominant, Autosomal Recessive and X-Linked Classification Criteria (2023). Collection method: clinical testing. Allele origin: unknown.
Comment: NM_015346.3(ZFYVE26):c.960G>A(W320*) is expected to be pathogenic in the context of spastic paraplegia type 15. This variant is predicted to lead to an abnormal or absent protein product due to the creation of a premature termination codon in ZFYVE26, a gene where loss-of-function variants are known to be pathogenic. Please note: this variant was assessed in the context of healthy population screening.

Athena Diagnostics
Classification: Pathogenic. Last evaluated: 2018-02-15. Review status: criteria provided, single submitter. Criteria: Athena Diagnostics Criteria. Collection method: clinical testing. Allele origin: germline.

Literature cited by the submitters: PubMed 18394578 (cited by Labcorp Genetics (formerly Invitae), Labcorp); PubMed 19805727 (cited by Labcorp Genetics (formerly Invitae), Labcorp).

NM_015346.4(ZFYVE26):c.960G>A (p.Trp320Ter)

Gene: ZFYVE26 (zinc finger FYVE-type containing 26; minus strand). Cytogenetic location: 14q24.1.
Variant type: single nucleotide variant.
Coding change: c.960G>A on transcript NM_015346.4 (MANE Select); coding-DNA position 960, G replaced by A.
Protein change: p.Trp320Ter; replaces tryptophan 320 with a stop codon.
Molecular consequence: nonsense.
Genome position (GRCh38, 1-based): chr14:67,806,602, C>T on the plus strand (G>A on the coding strand, the complement: ZFYVE26 is on the minus strand). VCF-style: chr14-67806602-C-T. GRCh37 (hg19) VCF-style: chr14-68273319-C-T.
Other names: short protein forms W320*.
Identifiers: ClinVar variation 586648 (VCV000586648.5), dbSNP rs1177577061, ClinGen allele CA390160225.